The following is an entry in ClinVar:

ClinVar aggregate classification (germline): Likely benign. Review status: criteria provided, single submitter (1 of 4 stars). 2 submissions from 2 submitters: Likely benign (1). 1 of the submissions does not count toward it. Last evaluated 2023-05-21.

Conditions:
RPGRIP1L-related disorder. Also called: RPGRIP1L-related disorders; RPGRIP1L-related condition. Identifiers: MedGen CN239416.
Meckel-Gruber syndrome. Also called: DYSENCEPHALIA SPLANCHNOCYSTICA; GRUBER SYNDROME; Dysencephalia splachnocystica. Identifiers: Orphanet 564, MedGen C0265215, MONDO:0018921.
Joubert syndrome. Also called: Familial aplasia of the vermis; JOUBERT-BOLTSHAUSER SYNDROME. Identifiers: Orphanet 475, MedGen C5979921, MONDO:0018772.

Allele frequency attached by ClinVar (database versions not stated): gnomAD 0.00001; gnomAD exomes 0.00001; TOPMed 0.00001; ExAC 0.00002.
gnomAD v4.1: 27 of 1,613,958 alleles (0.0017%); highest among the groups gnomAD compares: Non-Finnish European, 0.0022%; no homozygotes.

Submissions (2):

Labcorp Genetics (formerly Invitae), Labcorp
Classification: Likely benign for Joubert syndrome; Meckel-Gruber syndrome. Last evaluated: 2023-05-21. Review status: criteria provided, single submitter. Criteria: Invitae Variant Classification Sherloc (09022015). Collection method: clinical testing. Allele origin: germline.

PreventionGenetics, part of Exact Sciences
Classification: Likely benign for RPGRIP1L-related condition. Last evaluated: 2024-05-20. Review status: no assertion criteria provided. Collection method: clinical testing. Allele origin: germline. Not counted in ClinVar's aggregate classification.
Comment: This variant is classified as likely benign based on ACMG/AMP sequence variant interpretation guidelines (Richards et al. 2015 PMID: 25741868, with internal and published modifications).

NM_015272.5(RPGRIP1L):c.147A>G (p.Glu49=)

Gene: RPGRIP1L (RPGRIP1 like; minus strand). Cytogenetic location: 16q12.2.
Variant type: single nucleotide variant.
Coding change: c.147A>G on transcript NM_015272.5 (MANE Select); coding-DNA position 147, A replaced by G.
Protein change: p.Glu49=; no amino-acid change (glutamic acid 49 retained).
Molecular consequence: synonymous variant.
Genome position (GRCh38, 1-based): chr16:53,696,234, T>C on the plus strand (A>G on the coding strand, the complement: RPGRIP1L is on the minus strand). VCF-style: chr16-53696234-T-C. GRCh37 (hg19) VCF-style: chr16-53730146-T-C.
Other names: c.147A>G (NM_015272.4); c.147A>G, p.Glu49= (NM_001127897.4, NM_001308334.3, NM_001328422.2 and 2 more transcripts).
Identifiers: ClinVar variation 1117990 (VCV001117990.8), dbSNP rs748560707, ClinGen allele CA8058201.
Genomic context (GRCh38, chr16:53,696,234, plus strand): 5'-GCGGGCATGCTGTTTAAGTAAAATGTTCTCATCATGCAAACGCAAAAATCTGTCTTCCAG[T>C]TCCTCACGACTGACACGTGACACTGCCTGGCGAGACTTCATTGTCCGTGTTGTTGAAGTT-3'
Protein context (NP_056087.2, residues 39-59): RQAVSRVSRE[Glu49=]LEDRFLRLHD